The following is an entry in ClinVar:

ClinVar aggregate classification (germline): Benign/Likely benign. Review status: criteria provided, multiple submitters, no conflicts (2 of 4 stars). 4 submissions from 4 submitters: Benign (1); Likely benign (3). Last evaluated 2025-10-26.

Conditions:
Breast-ovarian cancer, familial, susceptibility to, 3. Also called: RAD51C-Related Breast/Ovarian Cancer. Identifiers: Orphanet 145, MedGen C3150659, MONDO:0013253, OMIM 613399.
Hereditary cancer-predisposing syndrome. Also called: Tumor predisposition; Neoplastic Syndromes, Hereditary; Hereditary Cancer Syndrome; Hereditary neoplastic syndrome. Identifiers: Orphanet 140162, MedGen C0027672, MeSH D009386, MONDO:0015356.
Fanconi anemia complementation group O. Also called: RAD51C-Related Fanconi Anemia. Identifiers: Orphanet 84, MedGen C3150653, MONDO:0013248, OMIM 613390.

Allele frequency attached by ClinVar (database versions not stated): gnomAD exomes below 0.00001.
gnomAD v4.1: 1 of 1,612,752 alleles (0.000062%); highest among the groups gnomAD compares: East Asian, 0.0022%; no homozygotes.

Submissions (4):

Labcorp Genetics (formerly Invitae), Labcorp
Classification: Likely benign for Fanconi anemia complementation group O. Last evaluated: 2025-10-26. Review status: criteria provided, single submitter. Criteria: Invitae Variant Classification Sherloc (09022015). Collection method: clinical testing. Allele origin: germline.

Myriad Genetics, Inc.
Classification: Benign for Breast-ovarian cancer, familial, susceptibility to, 3. Last evaluated: 2025-02-19. Review status: criteria provided, single submitter. Criteria: Myriad Autosomal Dominant, Autosomal Recessive and X-Linked Classification Criteria (2023). Collection method: clinical testing. Allele origin: unknown.
Comment: This variant is considered benign. This variant is a silent/synonymous amino acid change and it is not expected to impact splicing.

Ambry Genetics
Classification: Likely benign for Hereditary cancer-predisposing syndrome. Last evaluated: 2019-11-19. Review status: criteria provided, single submitter. Criteria: Ambry Variant Classification Scheme 2023. Collection method: clinical testing. Allele origin: germline.

Color Diagnostics, LLC DBA Color Health
Classification: Likely benign for Hereditary cancer-predisposing syndrome. Last evaluated: 2016-12-06. Review status: criteria provided, single submitter. Criteria: ACMG Guidelines, 2015. Collection method: clinical testing. Allele origin: germline.

NM_058216.3(RAD51C):c.873T>C (p.Asp291=)

Gene: RAD51C (RAD51 paralog C; plus strand). Cytogenetic location: 17q22.
Variant type: single nucleotide variant.
Coding change: c.873T>C on transcript NM_058216.3 (MANE Select); coding-DNA position 873, T replaced by C.
Protein change: p.Asp291=; no amino-acid change (aspartic acid 291 retained).
Molecular consequence: synonymous variant. On other transcripts: non-coding transcript variant (1).
Genome position (GRCh38, 1-based): chr17:58,720,781, T>C. VCF-style: chr17-58720781-T-C. GRCh37 (hg19) VCF-style: chr17-56798142-T-C.
Identifiers: ClinVar variation 492388 (VCV000492388.14), dbSNP rs1288802398, ClinGen allele CA501075799.